The following is an entry in ClinVar:

ClinVar aggregate classification (germline): Uncertain significance (1 of 4 stars; one submission).

Conditions:
Early-infantile DEE. Also called: Ohtahara syndrome; Early infantile epileptic encephalopathy with suppression bursts; Early infantile epileptic encephalopathy. Identifiers: Orphanet 1934, MedGen C0393706, MONDO:0800491.

Submission:

Labcorp Genetics (formerly Invitae), Labcorp
Classification: Uncertain significance for Early-infantile DEE. Last evaluated: 2025-10-11. Review status: criteria provided, single submitter. Criteria: Invitae Variant Classification Sherloc (09022015). Collection method: clinical testing. Allele origin: germline.
Comment: This sequence change replaces glutamic acid, which is acidic and polar, with valine, which is neutral and non-polar, at codon 859 of the KCNQ2 protein (p.Glu859Val). This variant is not present in population databases (gnomAD no frequency). This variant has not been reported in the literature in individuals affected with KCNQ2-related conditions. Invitae Evidence Modeling of protein sequence and biophysical properties (such as structural, functional, and spatial information, amino acid conservation, physicochemical variation, residue mobility, and thermodynamic stability) indicates that this missense variant is not expected to disrupt KCNQ2 protein function with a negative predictive value of 95%. In summary, the available evidence is currently insufficient to determine the role of this variant in disease. Therefore, it has been classified as a Variant of Uncertain Significance.

NM_172107.4(KCNQ2):c.2576A>T (p.Glu859Val)

Gene: KCNQ2 (potassium voltage-gated channel subfamily Q member 2; minus strand). Cytogenetic location: 20q13.33.
Variant type: single nucleotide variant.
Coding change: c.2576A>T on transcript NM_172107.4 (MANE Select); coding-DNA position 2576, A replaced by T.
Protein change: p.Glu859Val; replaces glutamic acid 859 with valine.
Molecular consequence: missense variant.
Genome position (GRCh38, 1-based): chr20:63,406,687, T>A on the plus strand (A>T on the coding strand, the complement: KCNQ2 is on the minus strand). VCF-style: chr20-63406687-T-A. GRCh37 (hg19) VCF-style: chr20-62038040-T-A.
Other names: c.2630A>T, p.Glu877Val (NM_001382235.1); c.2519A>T, p.Glu840Val (NM_001439003.1); c.2489A>T, p.Glu830Val (NM_001439004.1); c.2492A>T, p.Glu831Val (NM_004518.6); c.2522A>T, p.Glu841Val (NM_172106.3); c.2483A>T, p.Glu828Val (NM_172108.5); short protein forms E828V, E877V, E841V, E859V, E830V, E831V, E840V.
Identifiers: ClinVar variation 4747406 (VCV004747406.1).